The following is an entry in ClinVar:

NM_015073.3(SIPA1L3):c.4792G>A (p.Gly1598Ser)

Gene: SIPA1L3 (signal induced proliferation associated 1 like 3; plus strand). Cytogenetic location: 19q13.13.
Variant type: single nucleotide variant.
Coding change: c.4792G>A on transcript NM_015073.3 (MANE Select); coding-DNA position 4792, G replaced by A.
Protein change: p.Gly1598Ser; replaces glycine 1598 with serine.
Molecular consequence: missense variant.
Genome position (GRCh38, 1-based): chr19:38,193,732, G>A. VCF-style: chr19-38193732-G-A. GRCh37 (hg19) VCF-style: chr19-38684372-G-A.
Other names: c.4792G>A (NM_015073.2); short protein forms G1598S.
Identifiers: ClinVar variation 2913814 (VCV002913814.4), dbSNP rs748915011, ClinGen allele CA9410478.
Genomic context (GRCh38, chr19:38,193,732, plus strand): 5'-GCCTTCCCGTCCAGCACGCTGCCTGCACGCCGCCAGCACCAGCACCCCCACCCGCCCGTC[G>A]GCCCCGGTGCCACCCCTGCCGCCGGCAGCGGCTTTCCCGAGAAGAAATGTGAGCCTGGGC-3'
Protein context (NP_055888.1, residues 1588-1608): RQHQHPHPPV[Gly1598Ser]PGATPAAGSG

ClinVar aggregate classification (germline): Uncertain significance. Review status: criteria provided, single submitter (1 of 4 stars). 2 submissions from 2 submitters: Uncertain significance (1). 1 of the submissions does not count toward it. Last evaluated 2023-09-27.

Conditions:
SIPA1L3-related disorder. Also called: SIPA1L3-related condition.

Allele frequency attached by ClinVar (database versions not stated): gnomAD exomes 0.00006; TOPMed 0.00012; gnomAD 0.00015; ExAC 0.00030; 1000 Genomes Project 30x 0.00047.
gnomAD v4.1: 106 of 1,569,040 alleles (0.0068%); highest among the groups gnomAD compares: East Asian, 0.17%; no homozygotes.

Submissions (2):

Labcorp Genetics (formerly Invitae), Labcorp
Classification: Uncertain significance. Last evaluated: 2023-09-27. Review status: criteria provided, single submitter. Criteria: Invitae Variant Classification Sherloc (09022015). Collection method: clinical testing. Allele origin: germline.
Comment: This variant is present in population databases (rs748915011, gnomAD 0.2%), and has an allele count higher than expected for a pathogenic variant. In summary, the available evidence is currently insufficient to determine the role of this variant in disease. Therefore, it has been classified as a Variant of Uncertain Significance. Algorithms developed to predict the effect of missense changes on protein structure and function output the following: SIFT: "Not Available"; PolyPhen-2: "Benign"; Align-GVGD: "Not Available". The serine amino acid residue is found in multiple mammalian species, which suggests that this missense change does not adversely affect protein function. This variant has not been reported in the literature in individuals affected with SIPA1L3-related conditions. This sequence change replaces glycine, which is neutral and non-polar, with serine, which is neutral and polar, at codon 1598 of the SIPA1L3 protein (p.Gly1598Ser).

PreventionGenetics, part of Exact Sciences
Classification: Likely benign for SIPA1L3-related condition. Last evaluated: 2024-03-14. Review status: no assertion criteria provided. Collection method: clinical testing. Allele origin: germline. Not counted in ClinVar's aggregate classification.
Comment: This variant is classified as likely benign based on ACMG/AMP sequence variant interpretation guidelines (Richards et al. 2015 PMID: 25741868, with internal and published modifications).